The following is an entry in ClinVar:

ClinVar aggregate classification (germline): Likely benign. Review status: criteria provided, multiple submitters, no conflicts (2 of 4 stars). 7 submissions from 7 submitters: Likely benign (4). 3 of the submissions do not count toward it. Last evaluated 2026-02-01.

Conditions:
GLI2-related disorder. Also called: GLI2-related condition; GLI2-related disorders.
Holoprosencephaly 9 (HPE9). Also called: HOLOPROSENCEPHALY WITH MICROPHTHALMIA AND FIRST BRANCHIAL ARCH ANOMALIES; PITUITARY ANOMALIES WITH HOLOPROSENCEPHALY-LIKE FEATURES. Identifiers: Orphanet 2162, MedGen C1835819, MONDO:0012563, OMIM 610829.
Postaxial polydactyly-anterior pituitary anomalies-facial dysmorphism syndrome. Also called: Culler-Jones syndrome. Identifiers: Orphanet 420584, MedGen C4014479, MONDO:0014369, OMIM 615849.

Allele frequency attached by ClinVar (database versions not stated): gnomAD exomes 0.00008 and 0.00017; ExAC 0.00029; ESP Exome Variant Server 0.00070; TOPMed 0.00076; gnomAD 0.00081 and 0.00082; 1000 Genomes Project 30x 0.00109; 1000 Genomes Project 0.00120.
gnomAD v4.1: 236 of 1,610,080 alleles (0.015%); highest among the groups gnomAD compares: African/African-American, 0.28%; 1 homozygote.

Submissions (7):

Labcorp Genetics (formerly Invitae), Labcorp
Classification: Likely benign for Postaxial polydactyly-anterior pituitary anomalies-facial dysmorphism syndrome; Holoprosencephaly 9. Last evaluated: 2026-02-01. Review status: criteria provided, single submitter. Criteria: Invitae Variant Classification Sherloc (09022015). Collection method: clinical testing. Allele origin: germline.

CeGaT Center for Human Genetics Tuebingen
Classification: Likely benign. Last evaluated: 2024-06-01. Review status: criteria provided, single submitter. Criteria: CeGaT Center For Human Genetics Tuebingen Variant Classification Criteria Version 2. Collection method: clinical testing. Allele origin: germline. Affected: yes. Observed: 1 variant allele.
Comment: GLI2: BP4, BS1

ARUP Laboratories, Molecular Genetics and Genomics, ARUP Laboratories
Classification: Likely benign. Last evaluated: 2018-09-11. Review status: criteria provided, single submitter. Criteria: ARUP Molecular Germline Variant Investigation Process. Collection method: clinical testing. Allele origin: germline.

Illumina Laboratory Services, Illumina
Classification: Likely benign for Holoprosencephaly 9. Last evaluated: 2017-09-26. Review status: criteria provided, single submitter. Criteria: ICSL Variant Classification Criteria 13 December 2019. Collection method: clinical testing. Allele origin: germline.
Comment: This variant was observed as part of a predisposition screen in an ostensibly healthy population. A literature search was performed for the gene, cDNA change, and amino acid change (where applicable). No publications were found based on this search. Allele frequency data from public databases allowed determination this variant is unlikely to cause disease. Therefore, this variant is classified as likely benign.

PreventionGenetics, part of Exact Sciences
Classification: Likely benign for GLI2-related condition. Last evaluated: 2019-08-01. Review status: no assertion criteria provided. Collection method: clinical testing. Allele origin: germline. Not counted in ClinVar's aggregate classification.
Comment: This variant is classified as likely benign based on ACMG/AMP sequence variant interpretation guidelines (Richards et al. 2015 PMID: 25741868, with internal and published modifications).

Clinical Genetics DNA and cytogenetics Diagnostics Lab, Erasmus MC, Erasmus Medical Center
Classification: Likely benign. Review status: no assertion criteria provided. Collection method: clinical testing. Allele origin: germline. Affected: yes. Study: VKGL Data-share Consensus. Not counted in ClinVar's aggregate classification.

Clinical Genetics, Academic Medical Center
Classification: Likely benign. Review status: no assertion criteria provided. Collection method: clinical testing. Allele origin: germline. Affected: yes. Study: VKGL Data-share Consensus. Not counted in ClinVar's aggregate classification.

NM_001374353.1(GLI2):c.4030G>T (p.Val1344Leu)

Gene: GLI2 (GLI family zinc finger 2; plus strand). Cytogenetic location: 2q14.2.
Variant type: single nucleotide variant.
Coding change: c.4030G>T on transcript NM_001374353.1 (MANE Select); coding-DNA position 4030, G replaced by T.
Protein change: p.Val1344Leu; replaces valine 1344 with leucine.
Molecular consequence: missense variant.
Genome position (GRCh38, 1-based): chr2:120,989,995, G>T. VCF-style: chr2-120989995-G-T. GRCh37 (hg19) VCF-style: chr2-121747571-G-T.
Other names: c.4081G>T, p.Val1361Leu (NM_001371271.1, NM_005270.5); c.3655G>T, p.Val1219Leu (NM_001374354.1); short protein forms V1361L, V1219L, V1344L.
Identifiers: ClinVar variation 706119 (VCV000706119.41), dbSNP rs145939921, ClinGen allele CA1852540.